The following is an entry in ClinVar:

ClinVar aggregate classification (germline): Likely benign. Review status: criteria provided, multiple submitters, no conflicts (2 of 4 stars). 2 submissions from 2 submitters: Likely benign (2). Last evaluated 2023-04-01.

Conditions:
Inborn genetic diseases. Identifiers: MedGen C0950123, MeSH D030342.

Allele frequency attached by ClinVar (database versions not stated): ExAC 0.00001; gnomAD 0.00001; TOPMed 0.00003.

Submissions (2):

CeGaT Center for Human Genetics Tuebingen
Classification: Likely benign. Last evaluated: 2023-04-01. Review status: criteria provided, single submitter. Criteria: CeGaT Center For Human Genetics Tuebingen Variant Classification Criteria Version 2. Collection method: clinical testing. Allele origin: germline. Affected: yes. Observed: 1 variant allele.
Comment: LRRK2: BP4, BP7

Ambry Genetics
Classification: Likely benign for Inborn genetic diseases. Last evaluated: 2022-03-29. Review status: criteria provided, single submitter. Criteria: Ambry Variant Classification Scheme 2023. Collection method: clinical testing. Allele origin: germline.

NM_198578.4(LRRK2):c.2370C>T (p.Leu790=)

Gene: LRRK2 (leucine rich repeat kinase 2; plus strand). Cytogenetic location: 12q12.
Variant type: single nucleotide variant.
Coding change: c.2370C>T on transcript NM_198578.4 (MANE Select); coding-DNA position 2370, C replaced by T.
Protein change: p.Leu790=; no amino-acid change (leucine 790 retained).
Molecular consequence: synonymous variant.
Genome position (GRCh38, 1-based): chr12:40,284,003, C>T. VCF-style: chr12-40284003-C-T. GRCh37 (hg19) VCF-style: chr12-40677805-C-T.
Identifiers: ClinVar variation 1790297 (VCV001790297.29), dbSNP rs200463556, ClinGen allele CA6513626.
Genomic context (GRCh38, chr12:40,284,003, plus strand): 5'-TGTACGAAAAGCGTTGACGATAAGCATTGGGAAAGGTGACAGCCAGATCATCAGCTTGCT[C>T]TTAAGGAGGCTGGCCCTGGATGTGGCCAACAATAGCATTTGCCTTGGAGGATTTTGTATA-3'
Protein context (NP_940980.4, residues 780-800): GKGDSQIISL[Leu790=]LRRLALDVAN